The following is an entry in ClinVar:

ClinVar aggregate classification (germline): Pathogenic (1 of 4 stars; one submission).

Conditions:
Fanconi anemia (FA). Also called: Fanconi's anemia. Identifiers: Orphanet 84, MedGen C0015625, MeSH D005199, MONDO:0019391.

Submission:

Labcorp Genetics (formerly Invitae), Labcorp
Classification: Pathogenic for Fanconi anemia. Last evaluated: 2025-01-29. Review status: criteria provided, single submitter. Criteria: Invitae Variant Classification Sherloc (09022015). Collection method: clinical testing. Allele origin: germline.
Comment: This sequence change creates a premature translational stop signal (p.Ser1064Valfs*31) in the FANCM gene. It is expected to result in an absent or disrupted protein product. Loss-of-function variants in FANCM are known to be pathogenic (PMID: 29895858, 30075111). This variant is present in population databases (rs778191984, gnomAD 0.0009%). This variant has not been reported in the literature in individuals affected with FANCM-related conditions. ClinVar contains an entry for this variant (Variation ID: 1071739). For these reasons, this variant has been classified as Pathogenic.

Literature cited by the submitters: PubMed 29895858; PubMed 30075111.

NM_020937.4(FANCM):c.3190del (p.Ser1064fs)

Gene: FANCM (FA complementation group M; plus strand). Cytogenetic location: 14q21.2.
Variant type: Deletion.
Coding change: c.3190del on transcript NM_020937.4 (MANE Select); coding-DNA position 3190, one base deleted (A; older notation c.3190delA).
Protein change: p.Ser1064fs; shifts the reading frame from serine 1064.
Molecular consequence: frameshift variant.
Genome position (GRCh38, 1-based): chr14:45,175,944, A deleted; the last of 6 consecutive A bases (chr14:45,175,939-45,175,944); deleting any one gives the same sequence. VCF-style (leftmost placement, unchanged base first): chr14-45175938-GA-G. GRCh37 (hg19) VCF-style: chr14-45645141-GA-G.
Other names: c.3112del, p.Ser1038fs (NM_001308133.2); short protein forms S1038fs, S1064fs.
Identifiers: ClinVar variation 1071739 (VCV001071739.7), dbSNP rs778191984, ClinGen allele CA7169477.